The following is an entry in ClinVar:

ClinVar aggregate classification (germline): Likely benign (1 of 4 stars; one submission).

Submission:

CeGaT Center for Human Genetics Tuebingen
Classification: Likely benign. Last evaluated: 2026-03-01. Review status: criteria provided, single submitter. Criteria: CeGaT Center For Human Genetics Tuebingen Variant Classification Criteria Version 2. Collection method: clinical testing. Allele origin: germline. Affected: yes. Observed: 1 variant allele.
Comment: MED13: PM2:Supporting, BP4, BP7

NM_005121.3(MED13):c.3852T>C (p.Ser1284=)

Gene: MED13 (mediator complex subunit 13; minus strand). Cytogenetic location: 17q23.2.
Variant type: single nucleotide variant.
Coding change: c.3852T>C on transcript NM_005121.3 (MANE Select); coding-DNA position 3852, T replaced by C.
Protein change: p.Ser1284=; no amino-acid change (serine 1284 retained).
Molecular consequence: synonymous variant.
Genome position (GRCh38, 1-based): chr17:61,972,842, A>G on the plus strand (T>C on the coding strand, the complement: MED13 is on the minus strand). VCF-style: chr17-61972842-A-G. GRCh37 (hg19) VCF-style: chr17-60050203-A-G.
Identifiers: ClinVar variation 4874458 (VCV004874458.2).